The following is an entry in ClinVar:

NM_001257180.2(SLC20A2):c.1214C>T (p.Ala405Val)

Gene: SLC20A2 (solute carrier family 20 member 2; minus strand). Cytogenetic location: 8p11.21.
Variant type: single nucleotide variant.
Coding change: c.1214C>T on transcript NM_001257180.2 (MANE Select); coding-DNA position 1214, C replaced by T.
Protein change: p.Ala405Val; replaces alanine 405 with valine.
Molecular consequence: missense variant.
Genome position (GRCh38, 1-based): chr8:42,437,298, G>A on the plus strand (C>T on the coding strand, the complement: SLC20A2 is on the minus strand). VCF-style: chr8-42437298-G-A. GRCh37 (hg19) VCF-style: chr8-42294816-G-A.
Other names: c.1214C>T, p.Ala405Val (NM_001257181.2, NM_006749.5); short protein forms A405V.
Identifiers: ClinVar variation 3683162 (VCV003683162.2).

ClinVar aggregate classification (germline): Uncertain significance (1 of 4 stars; one submission).

gnomAD v4.1: 14 of 1,614,010 alleles (0.00087%); highest among the groups gnomAD compares: East Asian, 0.0045%; no homozygotes.

Submission:

Labcorp Genetics (formerly Invitae), Labcorp
Classification: Uncertain significance. Last evaluated: 2025-02-03. Review status: criteria provided, single submitter. Criteria: Invitae Variant Classification Sherloc (09022015). Collection method: clinical testing. Allele origin: germline.
Comment: This sequence change replaces alanine, which is neutral and non-polar, with valine, which is neutral and non-polar, at codon 405 of the SLC20A2 protein (p.Ala405Val). This variant is present in population databases (no rsID available, gnomAD 0.0009%). This variant has not been reported in the literature in individuals affected with SLC20A2-related conditions. Invitae Evidence Modeling of protein sequence and biophysical properties (such as structural, functional, and spatial information, amino acid conservation, physicochemical variation, residue mobility, and thermodynamic stability) indicates that this missense variant is not expected to disrupt SLC20A2 protein function with a negative predictive value of 95%. In summary, the available evidence is currently insufficient to determine the role of this variant in disease. Therefore, it has been classified as a Variant of Uncertain Significance.